The following is an entry in ClinVar:

NM_001267550.2(TTN):c.39826G>C (p.Glu13276Gln)

Gene: TTN (titin; minus strand). Cytogenetic location: 2q31.2.
Variant type: single nucleotide variant.
Coding change: c.39826G>C on transcript NM_001267550.2 (MANE Select); coding-DNA position 39826, G replaced by C.
Protein change: p.Glu13276Gln; replaces glutamic acid 13276 with glutamine.
Molecular consequence: missense variant. On other transcripts: intron variant (3).
Genome position (GRCh38, 1-based): chr2:178,649,886, C>G on the plus strand (G>C on the coding strand, the complement: TTN is on the minus strand). VCF-style: chr2-178649886-C-G. GRCh37 (hg19) VCF-style: chr2-179514613-C-G.
Other names: c.35305G>C, p.Glu11769Gln (NM_001256850.1); c.32524G>C, p.Glu10842Gln (NM_133378.4); c.13283-7569G>C (NM_003319.4); c.13859-7569G>C (NM_133437.4); c.13658-7569G>C (NM_133432.3); short protein forms E10842Q, E11769Q, E13276Q.
Identifiers: ClinVar variation 3368443 (VCV003368443.1).

ClinVar aggregate classification (germline): Uncertain significance (1 of 4 stars; one submission).

gnomAD v4.1: 1 of 1,606,126 alleles (0.000062%); highest among the groups gnomAD compares: Non-Finnish European, 0.000085%; no homozygotes.

Submission:

GeneDx
Classification: Uncertain significance. Last evaluated: 2024-01-29. Review status: criteria provided, single submitter. Criteria: GeneDx Variant Classification Process June 2021. Collection method: clinical testing. Allele origin: germline. Affected: yes.
Comment: Not observed at significant frequency in large population cohorts (gnomAD); Missense variant in a gene in which most reported pathogenic variants are truncating/loss of function; Has not been previously published as pathogenic or benign to our knowledge